The following is an entry in ClinVar:

ClinVar aggregate classification (germline): Conflicting classifications of pathogenicity. Review status: criteria provided, conflicting classifications (1 of 4 stars). 6 submissions from 6 submitters: Uncertain significance (1); Likely benign (4). 1 of the submissions does not count toward it. Last evaluated 2025-09-17.

Conditions:
Cardiomyopathy (CMYO). Also called: Cardiomyopathies. Identifiers: Orphanet 167848, MedGen C0878544, MONDO:0004994, HP:0001638. Inheritance: Various modes of inheritance.
Becker muscular dystrophy (BMD). Also called: MUSCULAR DYSTROPHY, PSEUDOHYPERTROPHIC PROGRESSIVE, BECKER TYPE; Becker Muscular Dystrophy (BMD). Identifiers: Orphanet 98895, MedGen C0917713, MONDO:0010311, OMIM 300376.
Duchenne muscular dystrophy (DMD). Also called: Duchenne Muscular Dystrophy (DMD); MUSCULAR DYSTROPHY, PSEUDOHYPERTROPHIC PROGRESSIVE, DUCHENNE TYPE. Identifiers: Orphanet 98896, MedGen C0013264, MONDO:0010679, OMIM 310200.
Dystrophin deficiency.
Cardiovascular phenotype. Identifiers: MedGen CN230736.

Allele frequency attached by ClinVar (database versions not stated): gnomAD exomes below 0.00001 and 0.00002; ExAC 0.00004; TOPMed 0.00007; gnomAD 0.00008; ESP Exome Variant Server 0.00019; 1000 Genomes Project 30x 0.00021; 1000 Genomes Project 0.00026.
gnomAD v4.1: 16 of 1,208,968 alleles (0.0013%); highest among the groups gnomAD compares: African/African-American, 0.021%; no homozygotes.

Submissions (6):

Labcorp Genetics (formerly Invitae), Labcorp
Classification: Likely benign for Duchenne muscular dystrophy. Last evaluated: 2025-09-17. Review status: criteria provided, single submitter. Criteria: Invitae Variant Classification Sherloc (09022015). Collection method: clinical testing. Allele origin: germline.

CeGaT Center for Human Genetics Tuebingen
Classification: Likely benign. Last evaluated: 2023-09-01. Review status: criteria provided, single submitter. Criteria: CeGaT Center For Human Genetics Tuebingen Variant Classification Criteria Version 2. Collection method: clinical testing. Allele origin: germline. Affected: yes. Observed: 1 variant allele.
Comment: DMD: BP4, BP7

Ambry Genetics
Classification: Likely benign for Cardiovascular phenotype. Last evaluated: 2020-09-28. Review status: criteria provided, single submitter. Criteria: Ambry Variant Classification Scheme 2023. Collection method: clinical testing. Allele origin: germline.

GeneDx
Classification: Likely benign. Last evaluated: 2019-05-24. Review status: criteria provided, single submitter. Criteria: GeneDx Variant Classification Process June 2021. Collection method: clinical testing. Allele origin: germline. Affected: yes.

Eurofins Ntd Llc (ga)
Classification: Uncertain significance. Last evaluated: 2015-07-23. Review status: criteria provided, single submitter. Criteria: EGL Classification Definitions 2015. Collection method: clinical testing. Allele origin: germline. Observed: 1 variant allele, 1 hemizygote.

Natera, Inc.
Classification: Likely benign for Becker muscular dystrophy; Cardiomyopathy; Duchenne muscular dystrophy; Dystrophin deficiency. Last evaluated: 2019-02-26. Review status: no assertion criteria provided. Collection method: clinical testing. Allele origin: germline. Not counted in ClinVar's aggregate classification.

NM_004006.3(DMD):c.8829G>A (p.Thr2943=)

Gene: DMD (dystrophin; minus strand). Cytogenetic location: Xp21.2.
Variant type: single nucleotide variant.
Coding change: c.8829G>A on transcript NM_004006.3 (MANE Select); coding-DNA position 8829, G replaced by A.
Protein change: p.Thr2943=; no amino-acid change (threonine 2943 retained).
Molecular consequence: synonymous variant.
Genome position (GRCh38, 1-based): chrX:31,478,214, C>T on the plus strand (G>A on the coding strand, the complement: DMD is on the minus strand). VCF-style: chrX-31478214-C-T. GRCh37 (hg19) VCF-style: chrX-31496331-C-T.
Other names: c.8805G>A, p.Thr2935= (NM_000109.4); c.8817G>A, p.Thr2939= (NM_004009.3); c.8460G>A, p.Thr2820= (NM_004010.3); c.4806G>A, p.Thr1602= (NM_004011.4); c.4797G>A, p.Thr1599= (NM_004012.4); c.1449G>A, p.Thr483= (NM_004013.3, NM_004020.4, NM_004021.3 and 2 more transcripts); c.642G>A, p.Thr214= (NM_004014.3).
Identifiers: ClinVar variation 281852 (VCV000281852.43), dbSNP rs150766816, ClinGen allele CA10377981.
Genomic context (GRCh38, chrX:31,478,214, plus strand): 5'-CACGGGCTGCCAGGATCCCTTGATCACCTCAGCTTGGCGCAGCTTGAGGTCCAGCTCATC[C>T]GTGGCCTCTTGAAGTTCCCGGAGTCTTTCAAGGGTCTCATCTATTTTTCTCTGCCAGTCA-3'
Protein context (NP_003997.2, residues 2933-2953): LERLRELQEA[Thr2943=]DELDLKLRQA